The following is an entry in ClinVar:

ClinVar aggregate classification (germline): Pathogenic (1 of 4 stars; one submission).

Submission:

Labcorp Genetics (formerly Invitae), Labcorp
Classification: Pathogenic. Last evaluated: 2022-12-15. Review status: criteria provided, single submitter. Criteria: Invitae Variant Classification Sherloc (09022015). Collection method: clinical testing. Allele origin: germline.
Comment: This sequence change creates a premature translational stop signal (p.Asp762Argfs*4) in the CENPJ gene. It is expected to result in an absent or disrupted protein product. Loss-of-function variants in CENPJ are known to be pathogenic (PMID: 15793586, 16900296, 20522431). This variant is present in population databases (no rsID available, gnomAD no frequency). This variant has not been reported in the literature in individuals affected with CENPJ-related conditions. For these reasons, this variant has been classified as Pathogenic.

Literature cited by the submitters: PubMed 15793586; PubMed 16900296; PubMed 20522431.

NM_018451.5(CPAP):c.2283dup (p.Asp762fs)

Gene: CPAP (centrosome assembly and centriole elongation protein; minus strand). Cytogenetic location: 13q12.13.
Variant type: Duplication.
Coding change: c.2283dup on transcript NM_018451.5 (MANE Select); coding-DNA position 2283, one base duplicated (A; older notation c.2283dupA).
Protein change: p.Asp762fs; shifts the reading frame from aspartic acid 762.
Molecular consequence: frameshift variant. On other transcripts: non-coding transcript variant (2).
Genome position (GRCh38, 1-based): chr13:24,905,755, T duplicated on the plus strand (A on the coding strand, the reverse complement: CPAP is on the minus strand); the first of 3 consecutive T bases (chr13:24,905,755-24,905,757); duplicating any one gives the same sequence. VCF-style (leftmost placement, unchanged base first): chr13-24905754-C-CT. GRCh37 (hg19) VCF-style: chr13-25479892-C-CT.
Other names: short protein forms D762fs.
Identifiers: ClinVar variation 2890716 (VCV002890716.3), dbSNP rs1180531129, ClinGen allele CA608986613.